The following is an entry in ClinVar:

ClinVar aggregate classification (germline): Likely pathogenic (1 of 4 stars; one submission).

Conditions:
Fabry disease. Also called: ALPHA-GALACTOSIDASE A DEFICIENCY; ANDERSON-FABRY DISEASE; CERAMIDE TRIHEXOSIDASE DEFICIENCY; GLA DEFICIENCY; HEREDITARY DYSTOPIC LIPIDOSIS; Angiokeratoma corporis diffusum. Identifiers: Orphanet 324, MedGen C0002986, MONDO:0010526, OMIM 301500, HP:0001071. Disease mechanism: Fabry disease is due to inactivating mutations in the X-linked GLA gene resulting in deficiency of the enzyme Alpha Galactosidase-A., loss of function.

Submission:

Genomenon, Inc
Classification: Likely pathogenic for Fabry disease. Last evaluated: 2026-09-08. Review status: criteria provided, single submitter. Criteria: Genomenon Sequence Variant Interpretation Standards - Updated. Collection method: curation. Allele origin: germline. Affected: yes.
Comment: GLA p.Trp81Cys (c.243G>C) is a missense variant that changes the amino acid at codon 81 from Tryptophan to Cysteine. This variant has been observed in at least one proband with clinical features consistent with Fabry disease (PMID:31770509). At least one functional study has demonstrated a substantial alteration in protein function relative to the wild-type (PMID:27657681). It is absent or not present at a significant frequency in gnomAD. In silico models predict that this variant is possibly or probably damaging. In conclusion, we classify GLA p.Trp81Cys (c.243G>C) as a likely pathogenic variant.

Literature cited by the submitters: PubMed 31770509; PubMed 27657681.

NM_000169.3(GLA):c.243G>C (p.Trp81Cys)

Genes: GLA (galactosidase alpha; minus strand), RPL36A-HNRNPH2 (RPL36A-HNRNPH2 readthrough; plus strand). Cytogenetic location: Xq22.1.
Variant type: single nucleotide variant.
Coding change: c.243G>C on transcript NM_000169.3 (MANE Select); coding-DNA position 243, G replaced by C.
Protein change: p.Trp81Cys; replaces tryptophan 81 with cysteine.
Molecular consequence: missense variant. On other transcripts: non-coding transcript variant (3), intron variant (2).
Genome position (GRCh38, 1-based): chrX:101,403,937, C>G on the plus strand (G>C on the coding strand, the complement: GLA is on the minus strand). VCF-style: chrX-101403937-C-G. GRCh37 (hg19) VCF-style: chrX-100658925-C-G.
Other names: c.366G>C, p.Trp122Cys (NM_001406747.1, NM_001406749.1); c.243G>C, p.Trp81Cys (NM_001406748.1); c.301-7999C>G (NM_001199973.2); c.178-7999C>G (NM_001199974.2); short protein forms W122C, W81C.
Identifiers: ClinVar variation 4087310 (VCV004087310.2).